The following is an entry in ClinVar:

ClinVar aggregate classification (germline): Uncertain significance (1 of 4 stars; one submission).

Conditions:
Lethal congenital glycogen storage disease of heart. Also called: GLYCOGEN STORAGE DISEASE OF HEART; PHOSPHORYLASE KINASE DEFICIENCY OF HEART. Identifiers: Orphanet 439854, MedGen C1849813, MONDO:0009867, OMIM 261740.

gnomAD v4.1: 3 of 1,614,130 alleles (0.00019%); highest among the groups gnomAD compares: Non-Finnish European, 0.00025%; no homozygotes.

Submission:

Labcorp Genetics (formerly Invitae), Labcorp
Classification: Uncertain significance for Lethal congenital glycogen storage disease of heart. Last evaluated: 2024-04-29. Review status: criteria provided, single submitter. Criteria: Invitae Variant Classification Sherloc (09022015). Collection method: clinical testing. Allele origin: germline.
Comment: This sequence change replaces glutamine, which is neutral and polar, with glutamic acid, which is acidic and polar, at codon 111 of the PRKAG2 protein (p.Gln111Glu). This variant is present in population databases (rs778331706, gnomAD 0.003%). This variant has not been reported in the literature in individuals affected with PRKAG2-related conditions. Advanced modeling of protein sequence and biophysical properties (such as structural, functional, and spatial information, amino acid conservation, physicochemical variation, residue mobility, and thermodynamic stability) performed at Invitae indicates that this missense variant is not expected to disrupt PRKAG2 protein function with a negative predictive value of 95%. In summary, the available evidence is currently insufficient to determine the role of this variant in disease. Therefore, it has been classified as a Variant of Uncertain Significance.

NM_016203.4(PRKAG2):c.331C>G (p.Gln111Glu)

Gene: PRKAG2 (protein kinase AMP-activated non-catalytic subunit gamma 2; minus strand). Cytogenetic location: 7q36.1.
Variant type: single nucleotide variant.
Coding change: c.331C>G on transcript NM_016203.4 (MANE Select); coding-DNA position 331, C replaced by G.
Protein change: p.Gln111Glu; replaces glutamine 111 with glutamic acid.
Molecular consequence: missense variant. On other transcripts: intron variant (1).
Genome position (GRCh38, 1-based): chr7:151,781,287, G>C on the plus strand (C>G on the coding strand, the complement: PRKAG2 is on the minus strand). VCF-style: chr7-151781287-G-C. GRCh37 (hg19) VCF-style: chr7-151478373-G-C.
Other names: c.199C>G, p.Gln67Glu (NM_001040633.2, NM_001407024.1, NM_001407026.1 and 2 more transcripts); c.331C>G, p.Gln111Glu (NM_001407021.1, NM_001407022.1, NM_001407023.1 and 2 more transcripts); c.148+33129C>G (NM_001407032.1); short protein forms Q111E, Q67E.
Identifiers: ClinVar variation 2771181 (VCV002771181.3), dbSNP rs778331706, ClinGen allele CA056788.